The following is an entry in ClinVar:

ClinVar aggregate classification (germline): Uncertain significance (1 of 4 stars; one submission).

Conditions:
Emery-Dreifuss muscular dystrophy 4, autosomal dominant (EDMD4). Also called: EMERY-DREIFUSS MUSCULAR DYSTROPHY 4 WITH VARIABLE FEATURES. Identifiers: Orphanet 261, MedGen C2751807, MONDO:0013071, OMIM 612998.
Autosomal recessive ataxia, Beauce type. Also called: Spinocerebellar ataxia, autosomal recessive 8; ATAXIA, RECESSIVE, OF BEAUCE; SYNE1-Related Autosomal Recessive Cerebellar Ataxia; SYNE1 Deficiency. Identifiers: Orphanet 88644, MedGen C1853116, MONDO:0012549, OMIM 610743.

gnomAD v4.1: 7 of 1,611,788 alleles (0.00043%); highest among the groups gnomAD compares: Non-Finnish European, 0.00059%; no homozygotes.

Submission:

Labcorp Genetics (formerly Invitae), Labcorp
Classification: Uncertain significance for Emery-Dreifuss muscular dystrophy 4, autosomal dominant; Autosomal recessive ataxia, Beauce type. Last evaluated: 2024-09-08. Review status: criteria provided, single submitter. Criteria: Invitae Variant Classification Sherloc (09022015). Collection method: clinical testing. Allele origin: germline.
Comment: This sequence change falls in intron 98 of the SYNE1 gene. It does not directly change the encoded amino acid sequence of the SYNE1 protein. It affects a nucleotide within the consensus splice site. This variant is not present in population databases (gnomAD no frequency). This variant has not been reported in the literature in individuals affected with SYNE1-related conditions. Variants that disrupt the consensus splice site are a relatively common cause of aberrant splicing (PMID: 17576681, 9536098). Algorithms developed to predict the effect of sequence changes on RNA splicing suggest that this variant is not likely to affect RNA splicing. In summary, the available evidence is currently insufficient to determine the role of this variant in disease. Therefore, it has been classified as a Variant of Uncertain Significance.

Literature cited by the submitters: PubMed 17576681; PubMed 9536098.

NM_182961.4(SYNE1):c.18706-3C>T

Gene: SYNE1 (spectrin repeat containing nuclear envelope protein 1; minus strand). Cytogenetic location: 6q25.2.
Variant type: single nucleotide variant.
Coding change: c.18706-3C>T on transcript NM_182961.4 (MANE Select); 3 bases into the intron before coding-DNA position 18706, C replaced by T.
Molecular consequence: intron variant.
Genome position (GRCh38, 1-based): chr6:152,268,168, G>A on the plus strand (C>T on the coding strand, the complement: SYNE1 is on the minus strand). VCF-style: chr6-152268168-G-A. GRCh37 (hg19) VCF-style: chr6-152589303-G-A.
Other names: c.18493-3C>T (NM_033071.5).
Identifiers: ClinVar variation 3758376 (VCV003758376.2).